The following is an entry in ClinVar:

NM_001868.4(CPA1):c.970C>T (p.Pro324Ser)

Gene: CPA1 (carboxypeptidase A1; plus strand). Cytogenetic location: 7q32.2.
Variant type: single nucleotide variant.
Coding change: c.970C>T on transcript NM_001868.4 (MANE Select); coding-DNA position 970, C replaced by T.
Protein change: p.Pro324Ser; replaces proline 324 with serine.
Molecular consequence: missense variant.
Genome position (GRCh38, 1-based): chr7:130,385,328, C>T. VCF-style: chr7-130385328-C-T. GRCh37 (hg19) VCF-style: chr7-130025169-C-T.
Other names: short protein forms P324S.
Identifiers: ClinVar variation 4559554 (VCV004559554.1).
Genomic context (GRCh38, chr7:130,385,328, plus strand): 5'-TCCATCCACAGCTACTCCCAGCTCCTCATGTATCCCTATGGCTACAAAACAGAACCAGTC[C>T]CTGACCAGGATGAGCTGGTAGGCACTGACCTCGGCTTGCCCCCTCGTCCCCAAGGTGGCT-3'
Protein context (NP_001859.1, residues 314-334): YPYGYKTEPV[Pro324Ser]DQDELDQLSK

ClinVar aggregate classification (germline): Uncertain significance (1 of 4 stars; one submission).

Conditions:
Hereditary pancreatitis (PCTT). Also called: Hereditary chronic pancreatitis; PRSS1-Related Hereditary Pancreatitis. Identifiers: Orphanet 676, MedGen C0238339, MONDO:0008185, OMIM 167800.

Submission:

Ambry Genetics
Classification: Uncertain significance for Hereditary pancreatitis. Last evaluated: 2025-10-11. Review status: criteria provided, single submitter. Criteria: Ambry Variant Classification Scheme 2023. Collection method: clinical testing. Allele origin: germline.
Comment: The p.P324S variant (also known as c.970C>T), located in coding exon 8 of the CPA1 gene, results from a C to T substitution at nucleotide position 970. The proline at codon 324 is replaced by serine, an amino acid with similar properties. This amino acid position is conserved. In addition, this alteration is predicted to be tolerated by in silico analysis. Based on the available evidence, the clinical significance of this variant remains unclear.